The following is an entry in ClinVar:

ClinVar aggregate classification (germline): Conflicting classifications of pathogenicity. Review status: criteria provided, conflicting classifications (1 of 4 stars). 2 submissions from 2 submitters: Uncertain significance (1); Likely benign (1). Last evaluated 2024-02-23.

Conditions:
Hereditary cancer-predisposing syndrome. Also called: Hereditary Cancer Syndrome; Neoplastic Syndromes, Hereditary; Hereditary neoplastic syndrome; Tumor predisposition. Identifiers: Orphanet 140162, MedGen C0027672, MeSH D009386, MONDO:0015356.
Fanconi anemia complementation group O. Also called: RAD51C-Related Fanconi Anemia. Identifiers: Orphanet 84, MedGen C3150653, MONDO:0013248, OMIM 613390.

Submissions (2):

Ambry Genetics
Classification: Likely benign for Hereditary cancer-predisposing syndrome. Last evaluated: 2024-02-23. Review status: criteria provided, single submitter. Criteria: Ambry Variant Classification Scheme 2023. Collection method: clinical testing. Allele origin: germline.

Labcorp Genetics (formerly Invitae), Labcorp
Classification: Uncertain significance for Fanconi anemia complementation group O. Last evaluated: 2021-06-26. Review status: criteria provided, single submitter. Criteria: Invitae Variant Classification Sherloc (09022015). Collection method: clinical testing. Allele origin: germline.
Comment: In summary, the available evidence is currently insufficient to determine the role of this variant in disease. Therefore, it has been classified as a Variant of Uncertain Significance. This sequence change replaces valine with leucine at codon 41 of the RAD51C protein (p.Val41Leu). The valine residue is weakly conserved and there is a small physicochemical difference between valine and leucine. This variant is not present in population databases (ExAC no frequency). This variant has not been reported in the literature in individuals with RAD51C-related conditions. ClinVar contains an entry for this variant (Variation ID: 818633). Algorithms developed to predict the effect of missense changes on protein structure and function output the following: SIFT: "Tolerated"; PolyPhen-2: "Benign"; Align-GVGD: "Class C0". The leucine amino acid residue is found in multiple mammalian species, suggesting that this missense change does not adversely affect protein function. These predictions have not been confirmed by published functional studies and their clinical significance is uncertain.

NM_058216.3(RAD51C):c.121G>T (p.Val41Leu)

Gene: RAD51C (RAD51 paralog C; plus strand). Cytogenetic location: 17q22.
Variant type: single nucleotide variant.
Coding change: c.121G>T on transcript NM_058216.3 (MANE Select); coding-DNA position 121, G replaced by T.
Protein change: p.Val41Leu; replaces valine 41 with leucine.
Molecular consequence: missense variant. On other transcripts: non-coding transcript variant (1).
Genome position (GRCh38, 1-based): chr17:58,692,764, G>T. VCF-style: chr17-58692764-G-T. GRCh37 (hg19) VCF-style: chr17-56770125-G-T.
Other names: c.121G>T, p.Val41Leu (NM_002876.4); short protein forms V41L.
Identifiers: ClinVar variation 818633 (VCV000818633.12), dbSNP rs879254131, ClinGen allele CA400337598.
Genomic context (GRCh38, chr17:58,692,764, plus strand): 5'-CCAGCGGTGCGGGTGAAGCTGGTGTCTGCGGGGTTCCAGACTGCTGAGGAACTCCTAGAG[G>T]TGAAACCCTCCGAGCTTAGCAAAGGTAACGACTCCTGATGGCAAGCTGAGGCACACCGGC-3'
Protein context (NP_478123.1, residues 31-51): GFQTAEELLE[Val41Leu]KPSELSKEVG